The following is an entry in ClinVar:

ClinVar aggregate classification (germline): Conflicting classifications of pathogenicity. Review status: criteria provided, conflicting classifications (1 of 4 stars). 17 submissions from 13 submitters: Uncertain significance (3); Benign (5); Likely benign (7). 2 of the submissions do not count toward it. Last evaluated 2026-02-01.

Conditions:
TTN-related disorder. Also called: TTN-related condition; TTN-related disease; TTN-related disorders.
Cardiovascular phenotype. Identifiers: MedGen CN230736.
Autosomal recessive limb-girdle muscular dystrophy type 2J (LGMDR10). Also called: Limb-girdle muscular dystrophy, type 2J; MUSCULAR DYSTROPHY, LIMB-GIRDLE, AUTOSOMAL RECESSIVE 10. Identifiers: Orphanet 140922, MedGen C1837342, MONDO:0012127, OMIM 608807.
Dilated cardiomyopathy 1G (CMD1G). Identifiers: Orphanet 154, MedGen C1858763, MONDO:0011400, OMIM 604145.
Cardiomyopathy (CMYO). Also called: Cardiomyopathies. Identifiers: Orphanet 167848, MedGen C0878544, MONDO:0004994, HP:0001638. Inheritance: Various modes of inheritance.
Early-onset myopathy with fatal cardiomyopathy (CMYO5). Also called: CONGENITAL MYOPATHY 5 WITH CARDIOMYOPATHY; Salih Myopathy. Identifiers: Orphanet 289377, MedGen C2673677, MONDO:0012714, OMIM 611705. Disease mechanism: loss of function.
Myopathy, myofibrillar, 9, with early respiratory failure (MFM9). Also called: Hereditary myopathy with early respiratory failure; MYOPATHY, PROXIMAL, WITH EARLY RESPIRATORY MUSCLE INVOLVEMENT; Myopathy, distal, with early respiratory failure, autosomal dominant; EDSTROM MYOPATHY. Identifiers: Orphanet 178464, Orphanet 34521, MedGen C1863599, MONDO:0011362, OMIM 603689.
Tibial muscular dystrophy (TMD). Also called: Tibial muscular dystrophy, tardive; UDD MYOPATHY; Udd Distal Myopathy – Tibial Muscular Dystrophy. Identifiers: Orphanet 609, MedGen C1838244, MONDO:0010870, OMIM 600334.

Allele frequency attached by ClinVar (database versions not stated): gnomAD exomes 0.00017 and 0.00035; ESP Exome Variant Server 0.00024; ExAC 0.00037; TOPMed 0.00038; gnomAD 0.00041; 1000 Genomes Project 30x 0.00047; 1000 Genomes Project 0.00060.
gnomAD v4.1: 314 of 1,612,600 alleles (0.019%); highest among the groups gnomAD compares: South Asian, 0.21%; 2 homozygotes.

Submissions (17):

Labcorp Genetics (formerly Invitae), Labcorp
Classification: Benign for Dilated cardiomyopathy 1G; Autosomal recessive limb-girdle muscular dystrophy type 2J. Last evaluated: 2026-02-01. Review status: criteria provided, single submitter. Criteria: Invitae Variant Classification Sherloc (09022015). Collection method: clinical testing. Allele origin: germline.

PreventionGenetics, part of Exact Sciences
Classification: Likely benign for TTN-related condition. Last evaluated: 2025-11-24. Review status: criteria provided, single submitter. Criteria: ACMG Guidelines, 2015. Collection method: clinical testing. Allele origin: germline.
Comment: This variant is classified as likely benign based on ACMG/AMP sequence variant interpretation guidelines (Richards et al. 2015 PMID: 25741868, with internal and published modifications).

Blueprint Genetics
Classification: Likely benign. Last evaluated: 2023-06-20. Review status: criteria provided, single submitter. Criteria: ACMG Guidelines, 2015. Collection method: clinical testing. Allele origin: germline.

CeGaT Center for Human Genetics Tuebingen
Classification: Likely benign. Last evaluated: 2023-01-01. Review status: criteria provided, single submitter. Criteria: CeGaT Center For Human Genetics Tuebingen Variant Classification Criteria Version 2. Collection method: clinical testing. Allele origin: germline. Affected: yes. Observed: 1 variant allele.
Comment: TTN: BP4, BP7

Women's Health and Genetics/Laboratory Corporation of America, LabCorp
Classification: Likely benign. Last evaluated: 2021-02-01. Review status: criteria provided, single submitter. Criteria: LabCorp Variant Classification Summary - May 2015. Collection method: clinical testing. Allele origin: germline.

Ambry Genetics
Classification: Likely benign for Cardiovascular phenotype. Last evaluated: 2019-07-22. Review status: criteria provided, single submitter. Criteria: Ambry Variant Classification Scheme 2023. Collection method: clinical testing. Allele origin: germline.

CHEO Genetics Diagnostic Laboratory, Children's Hospital of Eastern Ontario
Classification: Benign for Cardiomyopathy. Last evaluated: 2018-07-30. Review status: criteria provided, single submitter. Criteria: ACMG Guidelines, 2015. Collection method: clinical testing. Allele origin: germline.

Illumina Laboratory Services, Illumina
Classification: Benign for Myopathy, myofibrillar, 9, with early respiratory failure. Last evaluated: 2018-01-13. Review status: criteria provided, single submitter. Criteria: ICSL Variant Classification Criteria 13 December 2019. Collection method: clinical testing. Allele origin: germline.
Comment: This variant was observed in the ICSL laboratory as part of a predisposition screen in an ostensibly healthy population. It had not been previously curated by ICSL or reported in the Human Gene Mutation Database (HGMD: prior to June 1st, 2018), and was therefore a candidate for classification through an automated scoring system. Utilizing variant allele frequency, disease prevalence and penetrance estimates, and inheritance mode, an automated score was calculated to assess if this variant is too frequent to cause the disease. Based on the score and internal cut-off values, a variant classified as benign is not then subjected to further curation. The score for this variant resulted in a classification of benign for this disease.

Illumina Laboratory Services, Illumina
Classification: Benign for Tibial muscular dystrophy. Last evaluated: 2018-01-13. Review status: criteria provided, single submitter. Criteria: ICSL Variant Classification Criteria 13 December 2019. Collection method: clinical testing. Allele origin: germline.
Comment: the same text as in the submission from Illumina Laboratory Services, Illumina above.

Illumina Laboratory Services, Illumina
Classification: Uncertain significance for Dilated cardiomyopathy 1G. Last evaluated: 2018-01-13. Review status: criteria provided, single submitter. Criteria: ICSL Variant Classification Criteria 13 December 2019. Collection method: clinical testing. Allele origin: germline.

Illumina Laboratory Services, Illumina
Classification: Uncertain significance for Autosomal recessive limb-girdle muscular dystrophy type 2J. Last evaluated: 2018-01-13. Review status: criteria provided, single submitter. Criteria: ICSL Variant Classification Criteria 13 December 2019. Collection method: clinical testing. Allele origin: germline.

Illumina Laboratory Services, Illumina
Classification: Uncertain significance for Early-onset myopathy with fatal cardiomyopathy. Last evaluated: 2018-01-13. Review status: criteria provided, single submitter. Criteria: ICSL Variant Classification Criteria 13 December 2019. Collection method: clinical testing. Allele origin: germline.

Eurofins Ntd Llc (ga)
Classification: Likely benign. Last evaluated: 2016-09-23. Review status: criteria provided, single submitter. Criteria: EGL Classification Definitions 2015. Collection method: clinical testing. Allele origin: germline. Observed: 1 variant allele, 1 heterozygote.

Laboratory for Molecular Medicine, Mass General Brigham Personalized Medicine
Classification: Likely benign. Last evaluated: 2015-07-23. Review status: criteria provided, single submitter. Criteria: LMM Criteria. Collection method: clinical testing. Allele origin: germline. Observed: 1 variant allele.
Comment: p.Tyr13225Tyr in exon 202 of TTN: This variant is not expected to have clinical significance because it does not alter an amino acid residue and is not located within the splice consensus sequence. It has been identified in 0.2% (30/16512) of South Asian chromosomes by the Exome Aggregation Consortium (ExAC; dbSNP rs374281025).

GeneDx
Classification: Benign. Last evaluated: 2015-03-03. Review status: criteria provided, single submitter. Criteria: GeneDx Variant Classification Process June 2021. Collection method: clinical testing. Allele origin: germline. Affected: yes.

Clinical Genetics, Academic Medical Center
Classification: Benign. Review status: no assertion criteria provided. Collection method: clinical testing. Allele origin: germline. Affected: yes. Study: VKGL Data-share Consensus. Not counted in ClinVar's aggregate classification.

Joint Genome Diagnostic Labs from Nijmegen and Maastricht, Radboudumc and MUMC+
Classification: Likely benign. Review status: no assertion criteria provided. Collection method: clinical testing. Allele origin: germline. Affected: yes. Study: VKGL Data-share Consensus. Not counted in ClinVar's aggregate classification.

NM_001267550.2(TTN):c.47379C>T (p.Tyr15793=)

Genes: TTN (titin; minus strand), TTN-AS1 (TTN antisense RNA 1; plus strand). Cytogenetic location: 2q31.2.
Variant type: single nucleotide variant.
Coding change: c.47379C>T on transcript NM_001267550.2 (MANE Select); coding-DNA position 47379, C replaced by T.
Protein change: p.Tyr15793=; no amino-acid change (tyrosine 15793 retained).
Molecular consequence: synonymous variant.
Genome position (GRCh38, 1-based): chr2:178,617,972, G>A on the plus strand (C>T on the coding strand, the complement: TTN is on the minus strand). VCF-style: chr2-178617972-G-A. GRCh37 (hg19) VCF-style: chr2-179482699-G-A.
Other names: c.39675C>T, p.Tyr13225= (NM_133378.4); c.42456C>T, p.Tyr14152= (NM_001256850.1); c.20184C>T, p.Tyr6728= (NM_003319.4); c.20559C>T, p.Tyr6853= (NM_133432.3); c.20760C>T, p.Tyr6920= (NM_133437.4).
Identifiers: ClinVar variation 228098 (VCV000228098.57), dbSNP rs374281025, ClinGen allele CA1995054.